The following is an entry in ClinVar:

NM_001814.6(CTSC):c.21del (p.Leu7fs)

Genes: CTSC (cathepsin C; minus strand), LOC130006572 (ATAC-STARR-seq lymphoblastoid active region 5382; plus strand). Cytogenetic location: 11q14.2.
Variant type: Deletion.
Coding change: c.21del on transcript NM_001814.6 (MANE Select); coding-DNA position 21, one base deleted (G; older notation c.21delG).
Protein change: p.Leu7fs; shifts the reading frame from leucine 7.
Molecular consequence: frameshift variant.
Genome position (GRCh38, 1-based): chr11:88,337,652, C deleted on the plus strand (G on the coding strand, the reverse complement: CTSC is on the minus strand). VCF-style (leftmost placement, unchanged base first): chr11-88337651-GC-G. GRCh37 (hg19) VCF-style: chr11-88070819-GC-G.
Other names: c.21del, p.Leu7fs (NM_001114173.3, NM_148170.5); short protein forms L7fs.
Identifiers: ClinVar variation 2925494 (VCV002925494.3), dbSNP rs2496632149, ClinGen allele CA2574945453.
Genomic context (GRCh38, chr11:88,337,651, plus strand): 5'-CAGGTGTGTCGCAGCGCACGGCGCCGTCGCCGGAGAGAAGCAGCAGGAGGGCGGCGAGCA[GC>G]AAGGAGGGCCCAGCACCCATGCTGCAGGGAGCTGAGAAAAGAGGTGAAGAATTACCAGGA-3'

ClinVar aggregate classification (germline): Pathogenic (1 of 4 stars; one submission).

Conditions:
Periodontitis, aggressive. Identifiers: MedGen C0031106, MONDO:0980757.
Papillon-Lefèvre syndrome (PALS). Also called: KERATOSIS PALMOPLANTARIS WITH PERIODONTOPATHIA; Papillon-Lefevre Disease. Identifiers: Orphanet 678, MedGen C0030360, MONDO:0009490, OMIM 245000.
Haim-Munk syndrome (HMS). Also called: COCHIN JEWISH DISORDER; KERATOSIS PALMOPLANTARIS WITH PERIODONTOPATHIA AND ONYCHOGRYPOSIS. Identifiers: Orphanet 2342, MedGen C1855627, MONDO:0009491, OMIM 245010.

Allele frequency attached by ClinVar (database versions not stated): gnomAD exomes below 0.00001.

Submission:

Labcorp Genetics (formerly Invitae), Labcorp
Classification: Pathogenic for Haim-Munk syndrome; Periodontitis, aggressive; Papillon-Lefèvre syndrome. Last evaluated: 2023-09-26. Review status: criteria provided, single submitter. Criteria: Invitae Variant Classification Sherloc (09022015). Collection method: clinical testing. Allele origin: germline.
Comment: For these reasons, this variant has been classified as Pathogenic. This premature translational stop signal has been observed in individual(s) with Papillon-Lefevre syndrome (PMID: 20236208). This variant is not present in population databases (gnomAD no frequency). This sequence change creates a premature translational stop signal (p.Leu7Phefs*58) in the CTSC gene. It is expected to result in an absent or disrupted protein product. Loss-of-function variants in CTSC are known to be pathogenic (PMID: 10662808, 11106356, 11886537).

Literature cited by the submitters: PubMed 20236208; PubMed 10662808; PubMed 11106356; PubMed 11886537.